The following is an entry in ClinVar:

NM_001134831.2(AHI1):c.*13A>G

Gene: AHI1 (Abelson helper integration site 1; minus strand). Cytogenetic location: 6q23.3.
Variant type: single nucleotide variant.
Coding change: c.*13A>G on transcript NM_001134831.2 (MANE Select); 13 bases downstream of the stop codon, A replaced by G.
Molecular consequence: 3 prime UTR variant. On other transcripts: synonymous variant (1).
Genome position (GRCh38, 1-based): chr6:135,285,632, T>C on the plus strand (A>G on the coding strand, the complement: AHI1 is on the minus strand). VCF-style: chr6-135285632-T-C. GRCh37 (hg19) VCF-style: chr6-135606770-T-C.
Other names: c.*13A>G (NM_001134830.2, NM_001350503.2, NM_017651.5); c.3501A>G, p.Lys1167= (NM_001350504.2); c.3501A>G (NM_001350504.1).
Identifiers: ClinVar variation 2656925 (VCV002656925.26), dbSNP rs763438365, ClinGen allele CA4011931.

ClinVar aggregate classification (germline): Likely benign. Review status: criteria provided, multiple submitters, no conflicts (2 of 4 stars). 3 submissions from 3 submitters: Likely benign (3). Last evaluated 2025-02-03.

Conditions:
AHI1-related disorder. Also called: AHI1-related condition.

Allele frequency attached by ClinVar (database versions not stated): gnomAD exomes 0.00011; ExAC 0.00012; gnomAD 0.00012; TOPMed 0.00013.
gnomAD v4.1: 183 of 1,607,846 alleles (0.011%); highest among the groups gnomAD compares: Middle Eastern, 0.016%; no homozygotes.

Submissions (3):

PreventionGenetics, part of Exact Sciences
Classification: Likely benign for AHI1-related condition. Last evaluated: 2025-02-03. Review status: criteria provided, single submitter. Criteria: ACMG Guidelines, 2015. Collection method: clinical testing. Allele origin: germline.
Comment: This variant is classified as likely benign based on ACMG/AMP sequence variant interpretation guidelines (Richards et al. 2015 PMID: 25741868, with internal and published modifications).

CeGaT Center for Human Genetics Tuebingen
Classification: Likely benign. Last evaluated: 2025-02-01. Review status: criteria provided, single submitter. Criteria: CeGaT Center For Human Genetics Tuebingen Variant Classification Criteria Version 2. Collection method: clinical testing. Allele origin: germline. Affected: yes. Observed: 3 variant alleles.
Comment: AHI1: BP4, BP7

Blueprint Genetics
Classification: Likely benign. Last evaluated: 2024-10-31. Review status: criteria provided, single submitter. Criteria: ACMG Guidelines, 2015. Collection method: clinical testing. Allele origin: germline.